The following is an entry in ClinVar:

NM_006648.4(WNK2):c.377C>G (p.Pro126Arg)

Gene: WNK2 (WNK lysine deficient protein kinase 2; plus strand). Cytogenetic location: 9q22.31.
Variant type: single nucleotide variant.
Coding change: c.377C>G on transcript NM_006648.4 (MANE Select); coding-DNA position 377, C replaced by G.
Protein change: p.Pro126Arg; replaces proline 126 with arginine.
Molecular consequence: missense variant.
Genome position (GRCh38, 1-based): chr9:93,185,306, C>G. VCF-style: chr9-93185306-C-G. GRCh37 (hg19) VCF-style: chr9-95947588-C-G.
Other names: c.377C>G, p.Pro126Arg (NM_001282394.3); short protein forms P126R.
Identifiers: ClinVar variation 3470664 (VCV003470664.1).

ClinVar aggregate classification (germline): Uncertain significance (1 of 4 stars; one submission).

gnomAD v4.1: 7 of 1,507,808 alleles (0.00046%); highest among the groups gnomAD compares: East Asian, 0.017%; no homozygotes.

Submission:

Ambry Genetics
Classification: Uncertain significance. Last evaluated: 2024-12-08. Review status: criteria provided, single submitter. Criteria: Ambry Variant Classification Scheme 2023. Collection method: clinical testing. Allele origin: germline.
Comment: The p.P126R variant (also known as c.377C>G), located in coding exon 1 of the WNK2 gene, results from a C to G substitution at nucleotide position 377. The proline at codon 126 is replaced by arginine, an amino acid with dissimilar properties. This amino acid position is conserved. In addition, this alteration is predicted to be tolerated by in silico analysis. Based on the available evidence, the clinical significance of this variant remains unclear.